The following is an entry in ClinVar:

NM_139281.3(WDR36):c.2021A>G (p.Glu674Gly)

Gene: WDR36 (WD repeat domain 36; plus strand). Cytogenetic location: 5q22.1.
Variant type: single nucleotide variant.
Coding change: c.2021A>G on transcript NM_139281.3 (MANE Select); coding-DNA position 2021, A replaced by G.
Protein change: p.Glu674Gly; replaces glutamic acid 674 with glycine.
Molecular consequence: missense variant.
Genome position (GRCh38, 1-based): chr5:111,121,014, A>G. VCF-style: chr5-111121014-A-G. GRCh37 (hg19) VCF-style: chr5-110456712-A-G.
Other names: short protein forms E674G.
Identifiers: ClinVar variation 4200652 (VCV004200652.2).

ClinVar aggregate classification (germline): Uncertain significance. Review status: criteria provided, multiple submitters, no conflicts (2 of 4 stars). 2 submissions from 2 submitters: Uncertain significance (2). Last evaluated 2025-10-06.

Submissions (2):

Labcorp Genetics (formerly Invitae), Labcorp
Classification: Uncertain significance. Last evaluated: 2025-10-06. Review status: criteria provided, single submitter. Criteria: Invitae Variant Classification Sherloc (09022015). Collection method: clinical testing. Allele origin: germline.
Comment: This sequence change replaces glutamic acid, which is acidic and polar, with glycine, which is neutral and non-polar, at codon 730 of the WDR36 protein (p.Glu730Gly). This variant is present in population databases (rs760067303, gnomAD 0.1%), and has an allele count higher than expected for a pathogenic variant. This variant has not been reported in the literature in individuals affected with WDR36-related conditions. Invitae Evidence Modeling of protein sequence and biophysical properties (such as structural, functional, and spatial information, amino acid conservation, physicochemical variation, residue mobility, and thermodynamic stability) indicates that this missense variant is not expected to disrupt WDR36 protein function with a negative predictive value of 80%. In summary, the available evidence is currently insufficient to determine the role of this variant in disease. Therefore, it has been classified as a Variant of Uncertain Significance.

Ambry Genetics
Classification: Uncertain significance. Last evaluated: 2025-06-16. Review status: criteria provided, single submitter. Criteria: Ambry Variant Classification Scheme 2023. Collection method: clinical testing. Allele origin: germline.